The following is an entry in ClinVar:

NM_000138.5(FBN1):c.831C>A (p.His277Gln)

Gene: FBN1 (fibrillin 1; minus strand). Cytogenetic location: 15q21.1.
Variant type: single nucleotide variant.
Coding change: c.831C>A on transcript NM_000138.5 (MANE Select); coding-DNA position 831, C replaced by A.
Protein change: p.His277Gln; replaces histidine 277 with glutamine.
Molecular consequence: missense variant.
Genome position (GRCh38, 1-based): chr15:48,534,111, G>T on the plus strand (C>A on the coding strand, the complement: FBN1 is on the minus strand). VCF-style: chr15-48534111-G-T. GRCh37 (hg19) VCF-style: chr15-48826308-G-T.
Other names: c.831C>A, p.His277Gln (NM_001406716.1, NM_001406717.1); short protein forms H277Q.
Identifiers: ClinVar variation 3070471 (VCV003070471.1), dbSNP rs2505655309, ClinGen allele CA392352398.

ClinVar aggregate classification (germline): Uncertain significance (1 of 4 stars; one submission).

Conditions:
Marfan syndrome (MFS). Also called: MARFAN SYNDROME, TYPE I; Marfan syndrome type 1; Marfan's syndrome; Marfan syndrome, classic; FBN1-Related Marfan Syndrome. Identifiers: Orphanet 284963, Orphanet 558, MedGen C0024796, MONDO:0007947, OMIM 154700.

Submission:

All of Us Research Program, National Institutes of Health
Classification: Uncertain significance for Marfan syndrome. Last evaluated: 2023-04-27. Review status: criteria provided, single submitter. Criteria: ACMG Guidelines, 2015. Collection method: clinical testing. Allele origin: germline. Inheritance: Autosomal dominant inheritance. Observed: 1 variant allele, 1 heterozygote.
Comment: This study involves interpretation of variants in research participants for the purpose of population health screening. Participant phenotype was not available at the time of variant classification. Additional details can be found in publication PMID: 35346344, PMCID: PMC8962531